The following is an entry in ClinVar:

NM_001291303.3(FAT4):c.11414A>G (p.His3805Arg)

Gene: FAT4 (FAT atypical cadherin 4; plus strand). Cytogenetic location: 4q28.1.
Variant type: single nucleotide variant.
Coding change: c.11414A>G on transcript NM_001291303.3 (MANE Select); coding-DNA position 11414, A replaced by G.
Protein change: p.His3805Arg; replaces histidine 3805 with arginine.
Molecular consequence: missense variant.
Genome position (GRCh38, 1-based): chr4:125,452,424, A>G. VCF-style: chr4-125452424-A-G. GRCh37 (hg19) VCF-style: chr4-126373579-A-G.
Other names: c.11414A>G, p.His3805Arg (NM_001291285.3, NM_001438396.1, NM_001438397.1); c.6185A>G, p.His2062Arg (NM_001437895.1); c.11408A>G, p.His3803Arg (NM_024582.6); short protein forms H2062R, H3803R, H3805R.
Identifiers: ClinVar variation 4531927 (VCV004531927.1).

ClinVar aggregate classification (germline): Uncertain significance (1 of 4 stars; one submission).

Conditions:
Hennekam lymphangiectasia-lymphedema syndrome 2 (HKLLS2). Identifiers: Orphanet 2136, MedGen C4014939, MONDO:0014454, OMIM 616006.

Submission:

Victorian Clinical Genetics Services, Murdoch Childrens Research Institute
Classification: Uncertain significance for Hennekam lymphangiectasia-lymphedema syndrome 2. Last evaluated: 2024-10-11. Review status: criteria provided, single submitter. Criteria: ACMG Guidelines, 2015. Collection method: clinical testing. Allele origin: germline.
Comment: This variant is classified as VUS-3B. Evidence in support of pathogenic classification: Variant is absent from gnomAD (v2, v3 and v4). Additional information: Variant is predicted to result in a missense amino acid change from histidine to arginine; This variant is heterozygous; This gene is associated with autosomal recessive disease; Multiple alternative amino acid changes at the same position have been observed in gnomAD (v4) (highest allele count: 1 heterozygote(s), 0 homozygote(s)); This variant has no previous evidence of pathogenicity; No published segregation evidence has been identified for this variant; No published functional evidence has been identified for this variant; No comparable missense variants have previous evidence for pathogenicity; Variant is located in the annotated EGF-like 1 domain (Uniprot); Missense variant with conflicting in silico predictions and uninformative conservation; Loss of function is a known mechanism of disease in this gene and is associated with Hennekam lymphangiectasia-lymphoedema syndrome 2 (MIM#616006), and Van Maldergem syndrome 2 (MIM#615546).